The following is an entry in ClinVar:

NM_001369.3(DNAH5):c.5529_5530delinsTGCCGTCTTCTGCTTGTT (p.Glu1843fs)

Gene: DNAH5 (dynein axonemal heavy chain 5; minus strand). Cytogenetic location: 5p15.2.
Variant type: Indel.
Coding change: c.5529_5530delinsTGCCGTCTTCTGCTTGTT on transcript NM_001369.3 (MANE Select); coding-DNA positions 5529 to 5530, AG replaced by TGCCGTCTTCTGCTTGTT.
Protein change: p.Glu1843fs; shifts the reading frame from glutamic acid 1843.
Molecular consequence: frameshift variant.
Genome position (GRCh38, 1-based): chr5:13,841,085-13,841,086, CT replaced by AACAAGCAGAAGACGGCA on the plus strand (AG replaced by TGCCGTCTTCTGCTTGTT on the coding strand, the reverse complement: DNAH5 is on the minus strand). VCF-style: chr5-13841085-CT-AACAAGCAGAAGACGGCA. GRCh37 (hg19) VCF-style: chr5-13841194-CT-AACAAGCAGAAGACGGCA.
Other names: short protein forms E1843fs.
Identifiers: ClinVar variation 5010644 (VCV005010644.1).
Genomic context (GRCh38, chr5:13,841,085, plus strand): 5'-GGAAAGCCTGATTAGTTTTCTGCATGATTTTTTTATCAAACTTGGCATTTCTAAGGGCTT[CT>AACAAGCAGAAGACGGCA]TCTGAATCCCGTGTCCATATCATCTGAATTCCTAATAATCCAACCTTATGGAAATAAAAA-3'

ClinVar aggregate classification (germline): Pathogenic (1 of 4 stars; one submission).

Conditions:
Primary ciliary dyskinesia 3. Identifiers: Orphanet 244, MedGen C1837618, MONDO:0012085, OMIM 608644.

Submission:

Myriad Genetics, Inc.
Classification: Pathogenic for Primary ciliary dyskinesia 3. Last evaluated: 2024-05-14. Review status: criteria provided, single submitter. Criteria: Myriad Autosomal Dominant, Autosomal Recessive and X-Linked Classification Criteria (2023). Collection method: clinical testing. Allele origin: unknown.
Comment: NM_001369.2(DNAH5):c.5529_5530del2ins18(E1843Dfs*10) is expected to be pathogenic in the context of primary ciliary dyskinesia, DNAH5-related. This variant is predicted to lead to an abnormal or absent protein product due to the creation of a premature termination codon in DNAH5, a gene where loss-of-function variants are known to be pathogenic. Please note: this variant was assessed in the context of healthy population screening.